The following is an entry in ClinVar:

ClinVar aggregate classification (germline): Uncertain significance (1 of 4 stars; one submission).

Conditions:
Neonatal-onset encephalopathy with rigidity and seizures. Also called: Lethal neonatal spasticity-epileptic encephalopathy syndrome. Identifiers: Orphanet 435845, MedGen C3281029, MONDO:0013784, OMIM 614498.

Allele frequency attached by ClinVar (database versions not stated): TOPMed 0.00001.
gnomAD v4.1: 3 of 1,613,952 alleles (0.00019%); highest among the groups gnomAD compares: South Asian, 0.0011%; no homozygotes.

Submission:

Labcorp Genetics (formerly Invitae), Labcorp
Classification: Uncertain significance for Neonatal-onset encephalopathy with rigidity and seizures. Last evaluated: 2024-12-02. Review status: criteria provided, single submitter. Criteria: Invitae Variant Classification Sherloc (09022015). Collection method: clinical testing. Allele origin: germline.
Comment: This sequence change replaces threonine, which is neutral and polar, with isoleucine, which is neutral and non-polar, at codon 27 of the BRAT1 protein (p.Thr27Ile). This variant is not present in population databases (gnomAD no frequency). This variant has not been reported in the literature in individuals affected with BRAT1-related conditions. ClinVar contains an entry for this variant (Variation ID: 940046). Invitae Evidence Modeling of protein sequence and biophysical properties (such as structural, functional, and spatial information, amino acid conservation, physicochemical variation, residue mobility, and thermodynamic stability) has been performed for this missense variant. However, the output from this modeling did not meet the statistical confidence thresholds required to predict the impact of this variant on BRAT1 protein function. In summary, the available evidence is currently insufficient to determine the role of this variant in disease. Therefore, it has been classified as a Variant of Uncertain Significance.

NM_152743.4(BRAT1):c.80C>T (p.Thr27Ile)

Gene: BRAT1 (BRCA1 associated ATM activator 1; minus strand). Cytogenetic location: 7p22.3.
Variant type: single nucleotide variant.
Coding change: c.80C>T on transcript NM_152743.4 (MANE Select); coding-DNA position 80, C replaced by T.
Protein change: p.Thr27Ile; replaces threonine 27 with isoleucine.
Molecular consequence: missense variant. On other transcripts: 5 prime UTR variant (1), non-coding transcript variant (1).
Genome position (GRCh38, 1-based): chr7:2,554,352, G>A on the plus strand (C>T on the coding strand, the complement: BRAT1 is on the minus strand). VCF-style: chr7-2554352-G-A. GRCh37 (hg19) VCF-style: chr7-2593986-G-A.
Other names: c.80C>T, p.Thr27Ile (NM_001350626.2); c.-298C>T (NM_001350627.2); short protein forms T27I.
Identifiers: ClinVar variation 940046 (VCV000940046.9), dbSNP rs1449525170, ClinGen allele CA366633496.